The following is an entry in ClinVar:

NM_000939.4(POMC):c.261C>A (p.Phe87Leu)

Gene: POMC (proopiomelanocortin; minus strand). Cytogenetic location: 2p23.3.
Variant type: single nucleotide variant.
Coding change: c.261C>A on transcript NM_000939.4 (MANE Select); coding-DNA position 261, C replaced by A.
Protein change: p.Phe87Leu; replaces phenylalanine 87 with leucine.
Molecular consequence: missense variant.
Genome position (GRCh38, 1-based): chr2:25,161,624, G>T on the plus strand (C>A on the coding strand, the complement: POMC is on the minus strand). VCF-style: chr2-25161624-G-T. GRCh37 (hg19) VCF-style: chr2-25384493-G-T.
Other names: c.261C>A, p.Phe87Leu (NM_001035256.3, NM_001319204.2, NM_001319205.2); short protein forms F87L.
Identifiers: ClinVar variation 710881 (VCV000710881.17), dbSNP rs199636726, ClinGen allele CA1555345.

ClinVar aggregate classification (germline): Conflicting classifications of pathogenicity. Review status: criteria provided, conflicting classifications (1 of 4 stars). 4 submissions from 3 submitters: Uncertain significance (1); Benign (2); Likely benign (1). Last evaluated 2026-01-09.

Conditions:
Obesity. Also called: Obesity disorder. Identifiers: Orphanet 71529, MedGen C0028754, MeSH D009765, MONDO:0011122, HP:0001513.
Obesity due to pro-opiomelanocortin deficiency. Also called: Obesity, adrenal insufficiency, and red hair due to POMC deficiency; OBESITY, EARLY-ONSET, WITH ADRENAL INSUFFICIENCY AND RED HAIR; PROOPIOMELANOCORTIN DEFICIENCY. Identifiers: Orphanet 71526, MedGen C1857854, MONDO:0012335, OMIM 609734.

Allele frequency attached by ClinVar (database versions not stated): gnomAD exomes 0.00033 and 0.00073; ExAC 0.00135; ESP Exome Variant Server 0.00289; gnomAD 0.00328 and 0.00346; TOPMed 0.00345; 1000 Genomes Project 30x 0.00453; 1000 Genomes Project 0.00459.
gnomAD v4.1: 991 of 1,553,510 alleles (0.064%); highest among the groups gnomAD compares: African/African-American, 1.1%; 4 homozygotes.

Submissions (4):

Labcorp Genetics (formerly Invitae), Labcorp
Classification: Benign. Last evaluated: 2026-01-09. Review status: criteria provided, single submitter. Criteria: Invitae Variant Classification Sherloc (09022015). Collection method: clinical testing. Allele origin: germline.

Genetic Services Laboratory, University of Chicago
Classification: Benign. Last evaluated: 2019-05-15. Review status: criteria provided, single submitter. Criteria: ACMG Guidelines, 2015. Collection method: clinical testing. Allele origin: germline. Affected: no.

Illumina Laboratory Services, Illumina
Classification: Uncertain significance for Inherited obesity. Last evaluated: 2018-01-13. Review status: criteria provided, single submitter. Criteria: ICSL Variant Classification Criteria 13 December 2019. Collection method: clinical testing. Allele origin: germline.

Illumina Laboratory Services, Illumina
Classification: Likely benign for Obesity due to pro-opiomelanocortin deficiency. Last evaluated: 2018-01-13. Review status: criteria provided, single submitter. Criteria: ICSL Variant Classification Criteria 13 December 2019. Collection method: clinical testing. Allele origin: germline.
Comment: This variant was observed in the ICSL laboratory as part of a predisposition screen in an ostensibly healthy population. It had not been previously curated by ICSL or reported in the Human Gene Mutation Database (HGMD: prior to June 1st, 2018), and was therefore a candidate for classification through an automated scoring system. Utilizing variant allele frequency, disease prevalence and penetrance estimates, and inheritance mode, an automated score was calculated to assess if this variant is too frequent to cause the disease. Based on the score and internal cut-off values, a variant classified as likely benign is not then subjected to further curation. The score for this variant resulted in a classification of likely benign for this disease.